The following is an entry in ClinVar:

ClinVar aggregate classification (germline): Likely pathogenic (1 of 4 stars; one submission).

Submission:

CeGaT Center for Human Genetics Tuebingen
Classification: Likely pathogenic. Last evaluated: 2025-12-01. Review status: criteria provided, single submitter. Criteria: CeGaT Center For Human Genetics Tuebingen Variant Classification Criteria Version 2. Collection method: clinical testing. Allele origin: germline. Affected: yes. Observed: 1 variant allele.
Comment: PTCH1: PM2, PM4, PP4:Moderate

NM_000264.5(PTCH1):c.3056_3079del (p.Glu1019_Trp1027delinsGly)

Gene: PTCH1 (patched 1; minus strand). Cytogenetic location: 9q22.32.
Variant type: Deletion.
Coding change: c.3056_3079del on transcript NM_000264.5 (MANE Select); coding-DNA positions 3056 to 3079, 24 bases deleted (AGCAGTACATCGGCCTCCGCCACT).
Protein change: p.Glu1019_Trp1027delinsGly.
Molecular consequence: inframe indel. On other transcripts: non-coding transcript variant (1).
Genome position (GRCh38, 1-based): chr9:95,458,102-95,458,125, AGTGGCGGAGGCCGATGTACTGCT deleted on the plus strand (AGCAGTACATCGGCCTCCGCCACT on the coding strand, the reverse complement: PTCH1 is on the minus strand). VCF-style (leftmost placement, unchanged base first): chr9-95458101-CAGTGGCGGAGGCCGATGTACTGCT-C. GRCh37 (hg19) VCF-style: chr9-98220383-CAGTGGCGGAGGCCGATGTACTGCT-C.
Other names: c.2858_2881del, p.Glu953_Trp961delinsGly (NM_001083602.3); c.3053_3076del, p.Glu1018_Trp1026delinsGly (NM_001083603.3); c.2603_2626del, p.Glu868_Trp876delinsGly (NM_001083604.3, NM_001083605.3, NM_001083606.3 and 1 more transcripts); c.2900_2923del, p.Glu967_Trp975delinsGly (NM_001354918.2).
Identifiers: ClinVar variation 4535416 (VCV004535416.6).